The following is an entry in ClinVar:

NM_033641.4(COL4A6):c.2024-32T>C

Gene: COL4A6 (collagen type IV alpha 6 chain; minus strand). Cytogenetic location: Xq22.3.
Variant type: single nucleotide variant.
Coding change: c.2024-32T>C on transcript NM_033641.4 (MANE Select); 32 bases into the intron before coding-DNA position 2024, T replaced by C.
Molecular consequence: intron variant.
Genome position (GRCh38, 1-based): chrX:108,180,654, A>G on the plus strand (T>C on the coding strand, the complement: COL4A6 is on the minus strand). VCF-style: chrX-108180654-A-G. GRCh37 (hg19) VCF-style: chrX-107423884-A-G.
Other names: c.2027-32T>C (NM_001847.4); c.2024-32T>C (NM_001287760.2, NM_001287759.2); c.2075-32T>C (NM_001287758.2).
Identifiers: ClinVar variation 683228 (VCV000683228.2), dbSNP rs56961168, ClinGen allele CA10487700.

ClinVar aggregate classification (germline): Benign. Review status: criteria provided, multiple submitters, no conflicts (2 of 4 stars). 2 submissions from 2 submitters: Benign (2). Last evaluated 2018-06-16.

Allele frequency attached by ClinVar (database versions not stated): gnomAD exomes 0.02647 and 0.03625; ExAC 0.04556; gnomAD 0.04846 and 0.04970; ESP Exome Variant Server 0.05472; TOPMed 0.05603; 1000 Genomes Project 0.07417; 1000 Genomes Project 30x 0.07742.

Submissions (2):

GeneDx
Classification: Benign. Last evaluated: 2018-06-16. Review status: criteria provided, single submitter. Criteria: GeneDx Variant Classification (06012015). Collection method: clinical testing. Allele origin: germline. Affected: yes.
Comment: This variant is considered likely benign or benign based on one or more of the following criteria: it is a conservative change, it occurs at a poorly conserved position in the protein, it is predicted to be benign by multiple in silico algorithms, and/or has population frequency not consistent with disease.

Breakthrough Genomics
Classification: Benign. Review status: criteria provided, single submitter. Criteria: ACMG Guidelines, 2015. Collection method: not provided. Allele origin: germline. Inheritance: X-linked inheritance. Affected: yes.